The following is an entry in ClinVar:

ClinVar aggregate classification (germline): Benign/Likely benign. Review status: criteria provided, multiple submitters, no conflicts (2 of 4 stars). 3 submissions from 3 submitters: Benign (1); Likely benign (2). Last evaluated 2025-11-27.

Conditions:
Oligodontia-cancer predisposition syndrome. Also called: TOOTH AGENESIS-COLORECTAL CANCER SYNDROME. Identifiers: Orphanet 300576, MedGen C1837750, MONDO:0012075, OMIM 608615. Disease mechanism: loss of function.
Hereditary cancer-predisposing syndrome. Also called: Hereditary Cancer Syndrome; Neoplastic Syndromes, Hereditary; Hereditary neoplastic syndrome; Tumor predisposition. Identifiers: Orphanet 140162, MedGen C0027672, MeSH D009386, MONDO:0015356.

Allele frequency attached by ClinVar (database versions not stated): gnomAD exomes below 0.00001 and 0.00003; gnomAD 0.00001; TOPMed 0.00001.
gnomAD v4.1: 42 of 1,613,706 alleles (0.0026%); highest among the groups gnomAD compares: Non-Finnish European, 0.0033%; no homozygotes.

Submissions (3):

Labcorp Genetics (formerly Invitae), Labcorp
Classification: Likely benign for Oligodontia-cancer predisposition syndrome. Last evaluated: 2025-11-27. Review status: criteria provided, single submitter. Criteria: Invitae Variant Classification Sherloc (09022015). Collection method: clinical testing. Allele origin: germline.

Myriad Genetics, Inc.
Classification: Benign for Oligodontia-cancer predisposition syndrome. Last evaluated: 2024-07-09. Review status: criteria provided, single submitter. Criteria: Myriad Autosomal Dominant, Autosomal Recessive and X-Linked Classification Criteria (2023). Collection method: clinical testing. Allele origin: unknown.
Comment: This variant is considered benign. This variant is a silent/synonymous amino acid change and it is not expected to impact splicing.

Ambry Genetics
Classification: Likely benign for Hereditary cancer-predisposing syndrome. Last evaluated: 2020-11-10. Review status: criteria provided, single submitter. Criteria: Ambry Variant Classification Scheme 2023. Collection method: clinical testing. Allele origin: germline.

NM_004655.4(AXIN2):c.2046C>T (p.Asp682=)

Gene: AXIN2 (axin 2; minus strand). Cytogenetic location: 17q24.1.
Variant type: single nucleotide variant.
Coding change: c.2046C>T on transcript NM_004655.4 (MANE Select); coding-DNA position 2046, C replaced by T.
Protein change: p.Asp682=; no amino-acid change (aspartic acid 682 retained).
Molecular consequence: synonymous variant.
Genome position (GRCh38, 1-based): chr17:65,536,415, G>A on the plus strand (C>T on the coding strand, the complement: AXIN2 is on the minus strand). VCF-style: chr17-65536415-G-A. GRCh37 (hg19) VCF-style: chr17-63532533-G-A.
Other names: c.1851C>T, p.Asp617= (NM_001363813.1).
Identifiers: ClinVar variation 1088099 (VCV001088099.12), dbSNP rs1180854491, ClinGen allele CA501690934.